The following is an entry in ClinVar:

ClinVar aggregate classification (germline): Uncertain significance (1 of 4 stars; one submission).

Conditions:
Muscular dystrophy-dystroglycanopathy type B6 (MDDGB6). Also called: MUSCULAR DYSTROPHY, CONGENITAL, LARGE-RELATED; MUSCULAR DYSTROPHY, CONGENITAL, TYPE 1D; MUSCULAR DYSTROPHY-DYSTROGLYCANOPATHY (CONGENITAL WITH IMPAIRED INTELLECTUAL DEVELOPMENT), TYPE B, 6. Identifiers: MedGen C1837229, MONDO:0012138, OMIM 608840.

gnomAD v4.1: 1 of 1,614,246 alleles (0.000062%); highest among the groups gnomAD compares: Non-Finnish European, 0.000085%; no homozygotes.

Submission:

Labcorp Genetics (formerly Invitae), Labcorp
Classification: Uncertain significance for Muscular dystrophy-dystroglycanopathy type B6. Last evaluated: 2025-02-10. Review status: criteria provided, single submitter. Criteria: Invitae Variant Classification Sherloc (09022015). Collection method: clinical testing. Allele origin: germline.
Comment: This sequence change replaces proline, which is neutral and non-polar, with arginine, which is basic and polar, at codon 568 of the LARGE1 protein (p.Pro568Arg). This variant is present in population databases (no rsID available, gnomAD 0.0009%). This variant has not been reported in the literature in individuals affected with LARGE1-related conditions. Invitae Evidence Modeling of protein sequence and biophysical properties (such as structural, functional, and spatial information, amino acid conservation, physicochemical variation, residue mobility, and thermodynamic stability) indicates that this missense variant is expected to disrupt LARGE1 protein function with a positive predictive value of 80%. In summary, the available evidence is currently insufficient to determine the role of this variant in disease. Therefore, it has been classified as a Variant of Uncertain Significance.

NM_133642.5(LARGE1):c.1703C>G (p.Pro568Arg)

Gene: LARGE1 (LARGE xylosyl- and glucuronyltransferase 1; minus strand). Cytogenetic location: 22q12.3.
Variant type: single nucleotide variant.
Coding change: c.1703C>G on transcript NM_133642.5 (MANE Select); coding-DNA position 1703, C replaced by G.
Protein change: p.Pro568Arg; replaces proline 568 with arginine.
Molecular consequence: missense variant.
Genome position (GRCh38, 1-based): chr22:33,304,256, G>C on the plus strand (C>G on the coding strand, the complement: LARGE1 is on the minus strand). VCF-style: chr22-33304256-G-C. GRCh37 (hg19) VCF-style: chr22-33700242-G-C.
Other names: c.1703C>G, p.Pro568Arg (NM_001362949.2, NM_001362951.2, NM_001362953.2 and 6 more transcripts); c.1547C>G, p.Pro516Arg (NM_001378629.1); c.1100C>G, p.Pro367Arg (NM_001378630.1); c.944C>G, p.Pro315Arg (NM_001378631.1); short protein forms P367R, P516R, P568R, P315R.
Identifiers: ClinVar variation 4741015 (VCV004741015.1).
Genomic context (GRCh38, chr22:33,304,256, plus strand): 5'-TGGCCTGATGGCCAGGCCCCTGCAGGTCCTTACCTGAGGTACTCATAGAGCCCATACATG[G>C]GCAGGAAGTCAATGTCAGACAGGAACATGTAGGGAGTGCTGATGTGCTTCATGGCCACGT-3'
Protein context (NP_598397.1, residues 558-578): YMFLSDIDFL[Pro568Arg]MYGLYEYLRK